The following is an entry in ClinVar:

NM_001292063.2(OTOG):c.441C>T (p.His147=)

Gene: OTOG (otogelin; plus strand). Cytogenetic location: 11p15.1.
Variant type: single nucleotide variant.
Coding change: c.441C>T on transcript NM_001292063.2 (MANE Select); coding-DNA position 441, C replaced by T.
Protein change: p.His147=; no amino-acid change (histidine 147 retained).
Molecular consequence: synonymous variant.
Genome position (GRCh38, 1-based): chr11:17,553,420, C>T. VCF-style: chr11-17553420-C-T. GRCh37 (hg19) VCF-style: chr11-17574967-C-T.
Other names: c.477C>T, p.His159= (NM_001277269.2).
Identifiers: ClinVar variation 756460 (VCV000756460.11), dbSNP rs567294014, ClinGen allele CA5905359.
Genomic context (GRCh38, chr11:17,553,420, plus strand): 5'-CTCAGTGTACAATGCCGGCCCTGAGAGGGACAGCATTTGCCGGGCGTGGGGGCAGCACCA[C>T]GTGGAGACATTTGATGGGCTCTACTACTACCTCTCCGGAAAGGGCAGCTACACCCTGGTG-3'
Protein context (NP_001278992.1, residues 137-157): DSICRAWGQH[His147=]VETFDGLYYY

ClinVar aggregate classification (germline): Likely benign. Review status: criteria provided, multiple submitters, no conflicts (2 of 4 stars). 3 submissions from 3 submitters: Likely benign (3). Last evaluated 2026-04-28.

Conditions:
OTOG-related disorder. Also called: OTOG-related condition.

Allele frequency attached by ClinVar (database versions not stated): ExAC below 0.00001; gnomAD 0.00001 and 0.00003; TOPMed 0.00003; gnomAD exomes 0.00006; 1000 Genomes Project 30x 0.00016; 1000 Genomes Project 0.00020.
gnomAD v4.1: 52 of 1,473,448 alleles (0.0035%); highest among the groups gnomAD compares: South Asian, 0.034%; no homozygotes.

Submissions (3):

PreventionGenetics, part of Exact Sciences
Classification: Likely benign for OTOG-related condition. Last evaluated: 2026-04-28. Review status: criteria provided, single submitter. Criteria: ACMG Guidelines, 2015. Collection method: clinical testing. Allele origin: germline.
Comment: This variant is classified as likely benign based on ACMG/AMP sequence variant interpretation guidelines (Richards et al. 2015 PMID: 25741868, with internal and published modifications).

Labcorp Genetics (formerly Invitae), Labcorp
Classification: Likely benign. Last evaluated: 2025-08-18. Review status: criteria provided, single submitter. Criteria: Invitae Variant Classification Sherloc (09022015). Collection method: clinical testing. Allele origin: germline.

GeneDx
Classification: Likely benign. Last evaluated: 2020-12-28. Review status: criteria provided, single submitter. Criteria: GeneDx Variant Classification Process June 2021. Collection method: clinical testing. Allele origin: germline. Affected: yes.